The following is an entry in ClinVar:

NM_000079.4(CHRNA1):c.344+115del

Gene: CHRNA1 (cholinergic receptor nicotinic alpha 1 subunit; minus strand). Cytogenetic location: 2q31.1.
Variant type: Deletion.
Coding change: c.344+115del on transcript NM_000079.4 (MANE Select); 115 bases into the intron after coding-DNA position 344, one base deleted (C; older notation c.344+115delC).
Molecular consequence: intron variant.
Genome position (GRCh38, 1-based): chr2:174,757,451, G deleted on the plus strand (C on the coding strand, the reverse complement: CHRNA1 is on the minus strand); the first of 3 consecutive G bases (chr2:174,757,451-174,757,453); deleting any one gives the same sequence. VCF-style (leftmost placement, unchanged base first): chr2-174757450-TG-T. GRCh37 (hg19) VCF-style: chr2-175622178-TG-T.
Other names: c.419+115del (NM_001039523.3).
Identifiers: ClinVar variation 679131 (VCV000679131.1), dbSNP rs11327107, ClinGen allele CA60855134.

ClinVar aggregate classification (germline): Benign (1 of 4 stars; one submission).

Submission:

GeneDx
Classification: Benign. Last evaluated: 2018-06-16. Review status: criteria provided, single submitter. Criteria: GeneDx Variant Classification (06012015). Collection method: clinical testing. Allele origin: germline. Affected: yes.
Comment: This variant is considered likely benign or benign based on one or more of the following criteria: it is a conservative change, it occurs at a poorly conserved position in the protein, it is predicted to be benign by multiple in silico algorithms, and/or has population frequency not consistent with disease.